The following is an entry in ClinVar:

NM_017547.4(FOXRED1):c.-15G>A

Genes: FOXRED1 (FAD dependent oxidoreductase domain containing 1; plus strand), LOC130007026 (ATAC-STARR-seq lymphoblastoid active region 5705; plus strand). Cytogenetic location: 11q24.2.
Variant type: single nucleotide variant.
Coding change: c.-15G>A on transcript NM_017547.4 (MANE Select); 15 bases upstream of the start codon, G replaced by A.
Molecular consequence: 5 prime UTR variant. On other transcripts: non-coding transcript variant (2).
Genome position (GRCh38, 1-based): chr11:126,269,192, G>A. VCF-style: chr11-126269192-G-A. GRCh37 (hg19) VCF-style: chr11-126139087-G-A.
Identifiers: ClinVar variation 507149 (VCV000507149.2), dbSNP rs201288313, ClinGen allele CA6353903.

ClinVar aggregate classification (germline): Conflicting classifications of pathogenicity. Review status: criteria provided, conflicting classifications (1 of 4 stars). 2 submissions from 2 submitters: Uncertain significance (1); Likely benign (1). Last evaluated 2025-06-10.

Allele frequency attached by ClinVar (database versions not stated): gnomAD exomes 0.00010; TOPMed 0.00042; gnomAD 0.00044 and 0.00046; ESP Exome Variant Server 0.00062; 1000 Genomes Project 30x 0.00078; 1000 Genomes Project 0.00080.

Submissions (2):

Women's Health and Genetics/Laboratory Corporation of America, LabCorp
Classification: Uncertain significance. Last evaluated: 2025-06-10. Review status: criteria provided, single submitter. Criteria: LabCorp Variant Classification Summary - May 2015. Collection method: clinical testing. Allele origin: germline.
Comment: Variant summary: FOXRED1 c.-15G>A is located in the untranslated mRNA region upstream of the initiation codon. The variant allele was found at a frequency of 0.0001 in 249682 control chromosomes, predominantly at a frequency of 0.0015 within the African or African-American subpopulation in the gnomAD database. This frequency is not significantly higher than estimated for a pathogenic variant in FOXRED1 causing Mitochondrial Complex 1 Deficiency, Nuclear Type 19, allowing no conclusion about variant significance. To our knowledge, no occurrence of c.-15G>A in individuals affected with Mitochondrial Complex 1 Deficiency, Nuclear Type 19 and no experimental evidence demonstrating its impact on protein function have been reported. ClinVar contains an entry for this variant (Variation ID: 507149). Based on the evidence outlined above, the variant was classified as uncertain significance.

GeneDx
Classification: Likely benign. Last evaluated: 2017-02-10. Review status: criteria provided, single submitter. Criteria: GeneDx Variant Classification (06012015). Collection method: clinical testing. Allele origin: germline. Affected: yes.
Comment: This variant is considered likely benign or benign based on one or more of the following criteria: it is a conservative change, it occurs at a poorly conserved position in the protein, it is predicted to be benign by multiple in silico algorithms, and/or has population frequency not consistent with disease.